The following is an entry in ClinVar:

NM_173560.4(RFX6):c.1790C>A (p.Thr597Lys)

Genes: RFX6 (regulatory factor X6; plus strand), LOC126859771 (BRD4-independent group 4 enhancer GRCh37_chr6:117246147-117247346; plus strand). Cytogenetic location: 6q22.1.
Variant type: single nucleotide variant.
Coding change: c.1790C>A on transcript NM_173560.4 (MANE Select); coding-DNA position 1790, C replaced by A.
Protein change: p.Thr597Lys; replaces threonine 597 with lysine.
Molecular consequence: missense variant.
Genome position (GRCh38, 1-based): chr6:116,925,564, C>A. VCF-style: chr6-116925564-C-A. GRCh37 (hg19) VCF-style: chr6-117246727-C-A.
Other names: c.1790C>A (NM_173560.3); short protein forms T597K.
Identifiers: ClinVar variation 2139703 (VCV002139703.5), dbSNP rs369627687, ClinGen allele CA3973407.

ClinVar aggregate classification (germline): Uncertain significance. Review status: criteria provided, multiple submitters, no conflicts (2 of 4 stars). 3 submissions from 3 submitters: Uncertain significance (2). 1 of the submissions does not count toward it. Last evaluated 2025-09-12.

Conditions:
RFX6-related disorder. Also called: RFX6-related condition.

Allele frequency attached by ClinVar (database versions not stated): ESP Exome Variant Server 0.00015; TOPMed 0.00010; ExAC 0.00012; gnomAD exomes 0.00008; gnomAD 0.00011.
gnomAD v4.1: 130 of 1,612,772 alleles (0.0081%); highest among the groups gnomAD compares: Middle Eastern, 0.099%; 1 homozygote.

Submissions (3):

GeneDx
Classification: Uncertain significance. Last evaluated: 2025-09-12. Review status: criteria provided, single submitter. Criteria: GeneDx Variant Classification Process June 2021. Collection method: clinical testing. Allele origin: germline.
Comment: In silico analysis suggests that this missense variant does not alter protein structure/function; Has not been previously published as pathogenic or benign to our knowledge

Labcorp Genetics (formerly Invitae), Labcorp
Classification: Uncertain significance. Last evaluated: 2023-06-17. Review status: criteria provided, single submitter. Criteria: Invitae Variant Classification Sherloc (09022015). Collection method: clinical testing. Allele origin: germline.
Comment: In summary, the available evidence is currently insufficient to determine the role of this variant in disease. Therefore, it has been classified as a Variant of Uncertain Significance. Advanced modeling of protein sequence and biophysical properties (such as structural, functional, and spatial information, amino acid conservation, physicochemical variation, residue mobility, and thermodynamic stability) performed at Invitae indicates that this missense variant is not expected to disrupt RFX6 protein function. ClinVar contains an entry for this variant (Variation ID: 2139703). This variant has not been reported in the literature in individuals affected with RFX6-related conditions. This variant is present in population databases (rs369627687, gnomAD 0.01%). This sequence change replaces threonine, which is neutral and polar, with lysine, which is basic and polar, at codon 597 of the RFX6 protein (p.Thr597Lys).

PreventionGenetics, part of Exact Sciences
Classification: Uncertain significance for RFX6-related condition. Last evaluated: 2024-07-10. Review status: no assertion criteria provided. Collection method: clinical testing. Allele origin: germline. Not counted in ClinVar's aggregate classification.
Comment: The RFX6 c.1790C>A variant is predicted to result in the amino acid substitution p.Thr597Lys. To our knowledge, this variant has not been reported in the literature. This variant is reported in 0.016% of alleles in individuals of European (non-Finnish) descent in gnomAD. At this time, the clinical significance of this variant is uncertain due to the absence of conclusive functional and genetic evidence.